The following is an entry in ClinVar:

ClinVar aggregate classification (germline): Likely benign. Review status: criteria provided, multiple submitters, no conflicts (2 of 4 stars). 3 submissions from 3 submitters: Likely benign (2). 1 of the submissions does not count toward it. Last evaluated 2024-04-16.

Conditions:
Familial thoracic aortic aneurysm and aortic dissection (TAAD). Also called: Thoracic aortic aneurysms and dissections. Identifiers: Orphanet 91387, MedGen C4707243, MONDO:0019625.
Marfan syndrome (MFS). Also called: FBN1-Related Marfan Syndrome; MARFAN SYNDROME, TYPE I; Marfan syndrome type 1; Marfan's syndrome; Marfan syndrome, classic. Identifiers: Orphanet 284963, Orphanet 558, MedGen C0024796, MONDO:0007947, OMIM 154700.

Allele frequency attached by ClinVar (database versions not stated): gnomAD exomes 0.00002.
gnomAD v4.1: 10 of 1,614,038 alleles (0.00062%); highest among the groups gnomAD compares: East Asian, 0.022%; no homozygotes.

Submissions (3):

All of Us Research Program, National Institutes of Health
Classification: Likely benign for Marfan syndrome. Last evaluated: 2024-04-16. Review status: criteria provided, single submitter. Criteria: ACMG Guidelines, 2015. Collection method: clinical testing. Allele origin: germline. Inheritance: Autosomal dominant inheritance. Observed: 1 variant allele, 1 heterozygote.
Comment: This study involves interpretation of variants in research participants for the purpose of population health screening. Participant phenotype was not available at the time of variant classification. Additional details can be found in publication PMID: 35346344, PMCID: PMC8962531

Color Diagnostics, LLC DBA Color Health
Classification: Likely benign for Familial thoracic aortic aneurysm and aortic dissection. Last evaluated: 2024-03-29. Review status: criteria provided, single submitter. Criteria: ACMG Guidelines, 2015. Collection method: clinical testing. Allele origin: germline.

Department of Laboratory Medicine and Genetics, Samsung Medical Center
Classification: Uncertain significance for Marfan syndrome. Last evaluated: 2025-01-02. Review status: no assertion criteria provided. Collection method: clinical testing. Allele origin: germline. Not counted in ClinVar's aggregate classification.
Comment: The NM_000138.5:c.989-6C>A is considered to be not rare in the general population database (gnomAD v2.1.1). This variant is predicted to be deleterious by in-silico analysis (SpliceAI). In summary, the available evidence is currently insufficient to evaluate the pathogenicity of this variant, resulting its classification as a variant of uncertain significance (PP3, BS1).

Literature cited by the submitters: PubMed 37558401 (cited by Department of Laboratory Medicine and Genetics, Samsung Medical Center).

NM_000138.5(FBN1):c.989-6C>A

Genes: FBN1 (fibrillin 1; minus strand), LOC113939944 (Sharpr-MPRA regulatory region 9539; plus strand). Cytogenetic location: 15q21.1.
Variant type: single nucleotide variant.
Coding change: c.989-6C>A on transcript NM_000138.5 (MANE Select); 6 bases into the intron before coding-DNA position 989, C replaced by A.
Molecular consequence: intron variant.
Genome position (GRCh38, 1-based): chr15:48,520,823, G>T on the plus strand (C>A on the coding strand, the complement: FBN1 is on the minus strand). VCF-style: chr15-48520823-G-T. GRCh37 (hg19) VCF-style: chr15-48813020-G-T.
Other names: c.989-6C>A (NM_001406716.1).
Identifiers: ClinVar variation 2773394 (VCV002773394.4), dbSNP rs993063686, ClinGen allele CA269562583.